The following is an entry in ClinVar:

NM_005475.3(SH2B3):c.428G>T (p.Arg143Leu)

Gene: SH2B3 (SH2B adaptor protein 3; plus strand). Cytogenetic location: 12q24.12.
Variant type: single nucleotide variant.
Coding change: c.428G>T on transcript NM_005475.3 (MANE Select); coding-DNA position 428, G replaced by T.
Protein change: p.Arg143Leu; replaces arginine 143 with leucine.
Molecular consequence: missense variant.
Genome position (GRCh38, 1-based): chr12:111,418,573, G>T. VCF-style: chr12-111418573-G-T. GRCh37 (hg19) VCF-style: chr12-111856377-G-T.
Other names: short protein forms R143L.
Identifiers: ClinVar variation 3440743 (VCV003440743.1).

ClinVar aggregate classification (germline): Uncertain significance (1 of 4 stars; one submission).

Conditions:
Inborn genetic diseases. Identifiers: MedGen C0950123, MeSH D030342.

gnomAD v4.1: 2 of 1,481,986 alleles (0.00013%); highest among the groups gnomAD compares: Non-Finnish European, 0.00018%; no homozygotes.

Submission:

Ambry Genetics
Classification: Uncertain significance for Inborn genetic diseases. Last evaluated: 2024-11-18. Review status: criteria provided, single submitter. Criteria: Ambry Variant Classification Scheme 2023. Collection method: clinical testing. Allele origin: germline.
Comment: The p.R143L variant (also known as c.428G>T), located in coding exon 1 of the SH2B3 gene, results from a G to T substitution at nucleotide position 428. The arginine at codon 143 is replaced by leucine, an amino acid with dissimilar properties. This amino acid position is conserved. In addition, this alteration is predicted to be tolerated by in silico analysis. Based on the available evidence, the clinical significance of this variant remains unclear.